The following is an entry in ClinVar:

NM_000047.3(ARSL):c.495T>C (p.His165=)

Gene: ARSL (arylsulfatase L; minus strand). Cytogenetic location: Xp22.33.
Variant type: single nucleotide variant.
Coding change: c.495T>C on transcript NM_000047.3 (MANE Select); coding-DNA position 495, T replaced by C.
Protein change: p.His165=; no amino-acid change (histidine 165 retained).
Molecular consequence: synonymous variant.
Genome position (GRCh38, 1-based): chrX:2,949,663, A>G on the plus strand (T>C on the coding strand, the complement: ARSL is on the minus strand). VCF-style: chrX-2949663-A-G. GRCh37 (hg19) VCF-style: chrX-2867704-A-G.
Other names: c.570T>C, p.His190= (NM_001282628.2, NM_001369080.1); c.333T>C, p.His111= (NM_001282631.2); c.522T>C, p.His174= (NM_001369079.1).
Identifiers: ClinVar variation 516293 (VCV000516293.24), dbSNP rs35274634, ClinGen allele CA10338183.

ClinVar aggregate classification (germline): Benign. Review status: criteria provided, multiple submitters, no conflicts (2 of 4 stars). 5 submissions from 5 submitters: Benign (5). Last evaluated 2026-02-01.

Conditions:
Chondrodysplasia punctata, brachytelephalangic, autosomal. Also called: BRACHYTELEPHALANGIC CHONDRODYSPLASIA PUNCTATA. Identifiers: MedGen C1844853, MONDO:0011238, OMIM 602497.
X-linked chondrodysplasia punctata 1 (CDPX1). Also called: CHONDRODYSPLASIA PUNCTATA, BRACHYTELEPHALANGIC; Chondrodysplasia punctata, X-linked recessive. Identifiers: Orphanet 79345, MedGen C3669395, MONDO:0010555, OMIM 302950.
Connective tissue disorder. Also called: Connective tissue disease. Identifiers: MedGen C0009782, MONDO:0003900.

Allele frequency attached by ClinVar (database versions not stated): 1000 Genomes Project 30x 0.00541; TOPMed 0.01152; gnomAD 0.01203 and 0.01303; gnomAD exomes 0.01340 and 0.01752; ESP Exome Variant Server 0.01373; ExAC 0.01485; 1000 Genomes Project 0.00503.
gnomAD v4.1: 20,576 of 1,209,964 alleles (1.7%); highest among the groups gnomAD compares: Non-Finnish European, 2%; 157 homozygotes.

Submissions (5):

Labcorp Genetics (formerly Invitae), Labcorp
Classification: Benign for Chondrodysplasia punctata, brachytelephalangic, autosomal. Last evaluated: 2026-02-01. Review status: criteria provided, single submitter. Criteria: Invitae Variant Classification Sherloc (09022015). Collection method: clinical testing. Allele origin: germline.

ARUP Laboratories, Molecular Genetics and Genomics, ARUP Laboratories
Classification: Benign for X-linked chondrodysplasia punctata 1. Last evaluated: 2024-12-06. Review status: criteria provided, single submitter. Criteria: ARUP Molecular Germline Variant Investigation Process 2024. Collection method: clinical testing. Allele origin: germline.

Genome Diagnostics Laboratory, The Hospital for Sick Children
Classification: Benign for Connective tissue disorder. Last evaluated: 2021-12-22. Review status: criteria provided, single submitter. Criteria: ACMG Guidelines, 2015. Collection method: clinical testing. Allele origin: germline.

GeneDx
Classification: Benign. Last evaluated: 2017-02-07. Review status: criteria provided, single submitter. Criteria: GeneDx Variant Classification (06012015). Collection method: clinical testing. Allele origin: germline. Affected: yes.
Comment: This variant is considered likely benign or benign based on one or more of the following criteria: it is a conservative change, it occurs at a poorly conserved position in the protein, it is predicted to be benign by multiple in silico algorithms, and/or has population frequency not consistent with disease.

Breakthrough Genomics
Classification: Benign. Review status: criteria provided, single submitter. Criteria: ACMG Guidelines, 2015. Collection method: not provided. Allele origin: germline. Inheritance: X-linked inheritance. Affected: yes.